The following is an entry in ClinVar:

NM_032228.6(FAR1):c.1078C>T (p.Pro360Ser)

Gene: FAR1 (fatty acyl-CoA reductase 1; plus strand). Cytogenetic location: 11p15.3.
Variant type: single nucleotide variant.
Coding change: c.1078C>T on transcript NM_032228.6 (MANE Select); coding-DNA position 1078, C replaced by T.
Protein change: p.Pro360Ser; replaces proline 360 with serine.
Molecular consequence: missense variant.
Genome position (GRCh38, 1-based): chr11:13,714,631, C>T. VCF-style: chr11-13714631-C-T. GRCh37 (hg19) VCF-style: chr11-13736178-C-T.
Other names: c.1078C>T (NM_032228.5); short protein forms P360S.
Identifiers: ClinVar variation 3662744 (VCV003662744.3).

ClinVar aggregate classification (germline): Uncertain significance. Review status: criteria provided, multiple submitters, no conflicts (2 of 4 stars). 2 submissions from 2 submitters: Uncertain significance (2). Last evaluated 2026-03-31.

Conditions:
Inborn genetic diseases. Identifiers: MedGen C0950123, MeSH D030342.

gnomAD v4.1: 1 of 1,613,156 alleles (0.000062%); highest among the groups gnomAD compares: East Asian, 0.0022%; no homozygotes.

Submissions (2):

Ambry Genetics
Classification: Uncertain significance for Inborn genetic diseases. Last evaluated: 2026-03-31. Review status: criteria provided, single submitter. Criteria: Ambry Variant Classification Scheme 2023. Collection method: clinical testing. Allele origin: germline.

Labcorp Genetics (formerly Invitae), Labcorp
Classification: Uncertain significance. Last evaluated: 2024-08-18. Review status: criteria provided, single submitter. Criteria: Invitae Variant Classification Sherloc (09022015). Collection method: clinical testing. Allele origin: germline.
Comment: This sequence change replaces proline, which is neutral and non-polar, with serine, which is neutral and polar, at codon 360 of the FAR1 protein (p.Pro360Ser). This variant is not present in population databases (gnomAD no frequency). This variant has not been reported in the literature in individuals affected with FAR1-related conditions. Invitae Evidence Modeling of protein sequence and biophysical properties (such as structural, functional, and spatial information, amino acid conservation, physicochemical variation, residue mobility, and thermodynamic stability) indicates that this missense variant is expected to disrupt FAR1 protein function with a positive predictive value of 80%. In summary, the available evidence is currently insufficient to determine the role of this variant in disease. Therefore, it has been classified as a Variant of Uncertain Significance.